The following is an entry in ClinVar:

ClinVar aggregate classification (germline): Likely benign. Review status: criteria provided, multiple submitters, no conflicts (2 of 4 stars). 2 submissions from 2 submitters: Likely benign (2). Last evaluated 2026-02-13.

Conditions:
ATP2B2-related disorder. Also called: ATP2B2-related condition.

gnomAD v4.1: 12 of 1,607,038 alleles (0.00075%); highest among the groups gnomAD compares: Admixed American, 0.012%; 1 homozygote.

Submissions (2):

PreventionGenetics, part of Exact Sciences
Classification: Likely benign for ATP2B2-related condition. Last evaluated: 2026-02-13. Review status: criteria provided, single submitter. Criteria: ACMG Guidelines, 2015. Collection method: clinical testing. Allele origin: germline.
Comment: This variant is classified as likely benign based on ACMG/AMP sequence variant interpretation guidelines (Richards et al. 2015 PMID: 25741868, with internal and published modifications).

Labcorp Genetics (formerly Invitae), Labcorp
Classification: Likely benign. Last evaluated: 2024-06-13. Review status: criteria provided, single submitter. Criteria: Invitae Variant Classification Sherloc (09022015). Collection method: clinical testing. Allele origin: germline.

NM_001001331.4(ATP2B2):c.3726G>A (p.Ser1242=)

Gene: ATP2B2 (ATPase plasma membrane Ca2+ transporting 2; minus strand). Cytogenetic location: 3p25.3.
Variant type: single nucleotide variant.
Coding change: c.3726G>A on transcript NM_001001331.4 (MANE Select); coding-DNA position 3726, G replaced by A.
Protein change: p.Ser1242=; no amino-acid change (serine 1242 retained).
Molecular consequence: synonymous variant. On other transcripts: 3 prime UTR variant (2).
Genome position (GRCh38, 1-based): chr3:10,328,820, C>T on the plus strand (G>A on the coding strand, the complement: ATP2B2 is on the minus strand). VCF-style: chr3-10328820-C-T. GRCh37 (hg19) VCF-style: chr3-10370504-C-T.
Other names: c.*353G>A (NM_001330611.3); c.3591G>A, p.Ser1197= (NM_001353564.1, NM_001683.5); c.*280G>A (NM_001363862.1); c.3591G>A (NM_001683.3).
Identifiers: ClinVar variation 3628124 (VCV003628124.3).